The following is an entry in ClinVar:

NM_133497.4(KCNV2):c.150C>A (p.Asn50Lys)

Gene: KCNV2 (potassium voltage-gated channel modifier subfamily V member 2; plus strand). Cytogenetic location: 9p24.2.
Variant type: single nucleotide variant.
Coding change: c.150C>A on transcript NM_133497.4 (MANE Select); coding-DNA position 150, C replaced by A.
Protein change: p.Asn50Lys; replaces asparagine 50 with lysine.
Molecular consequence: missense variant.
Genome position (GRCh38, 1-based): chr9:2,717,889, C>A. VCF-style: chr9-2717889-C-A. GRCh37 (hg19) VCF-style: chr9-2717889-C-A.
Other names: short protein forms N50K.
Identifiers: ClinVar variation 1368638 (VCV001368638.6), dbSNP rs776336282, ClinGen allele CA372795805.

ClinVar aggregate classification (germline): Uncertain significance (1 of 4 stars; one submission).

Allele frequency attached by ClinVar (database versions not stated): gnomAD 0.00001.

Submission:

Labcorp Genetics (formerly Invitae), Labcorp
Classification: Uncertain significance. Last evaluated: 2022-01-28. Review status: criteria provided, single submitter. Criteria: Invitae Variant Classification Sherloc (09022015). Collection method: clinical testing. Allele origin: germline.
Comment: In summary, the available evidence is currently insufficient to determine the role of this variant in disease. Therefore, it has been classified as a Variant of Uncertain Significance. Advanced modeling of protein sequence and biophysical properties (such as structural, functional, and spatial information, amino acid conservation, physicochemical variation, residue mobility, and thermodynamic stability) performed at Invitae indicates that this missense variant is not expected to disrupt KCNV2 protein function. This variant has not been reported in the literature in individuals affected with KCNV2-related conditions. This variant is not present in population databases (gnomAD no frequency). This sequence change replaces asparagine, which is neutral and polar, with lysine, which is basic and polar, at codon 50 of the KCNV2 protein (p.Asn50Lys).